The following is an entry in ClinVar:

NM_004415.4(DSP):c.1266+2T>C

Gene: DSP (desmoplakin; plus strand). Cytogenetic location: 6p24.3.
Variant type: single nucleotide variant.
Coding change: c.1266+2T>C on transcript NM_004415.4 (MANE Select); the canonical splice donor site of the intron after coding-DNA position 1266, T replaced by C.
Molecular consequence: splice donor variant.
Genome position (GRCh38, 1-based): chr6:7,567,908, T>C. VCF-style: chr6-7567908-T-C. GRCh37 (hg19) VCF-style: chr6-7568141-T-C.
Other names: c.1266+2T>C (NM_001319034.2, NM_001008844.3, NM_001406591.1).
Identifiers: ClinVar variation 432143 (VCV000432143.3), dbSNP rs1554106756, ClinGen allele CA362676272.

ClinVar aggregate classification (germline): Likely pathogenic. Review status: criteria provided, multiple submitters, no conflicts (2 of 4 stars). 2 submissions from 2 submitters: Likely pathogenic (2). Last evaluated 2025-12-29.

Conditions:
Arrhythmogenic right ventricular dysplasia 8 (ARVD8). Also called: Arrhythmogenic Right Ventricular Dysplasia/Cardiomyopathy 8; ARRHYTHMOGENIC RIGHT VENTRICULAR DYSPLASIA, FAMILIAL, 8; ARRHYTHMOGENIC RIGHT VENTRICULAR CARDIOMYOPATHY 8. Identifiers: MedGen C1843896, MONDO:0011831, OMIM 607450.
Arrhythmogenic cardiomyopathy with wooly hair and keratoderma. Also called: Carvajal syndrome; Arrhythmogenic cardiomyopathy with woolly hair and keratoderma; PALMOPLANTAR KERATODERMA WITH LEFT VENTRICULAR CARDIOMYOPATHY AND WOOLLY HAIR; Dilated cardiomyopathy with woolly hair and keratoderma. Identifiers: Orphanet 65282, MedGen C1854063, MONDO:0011581, OMIM 605676.

Submissions (2):

Labcorp Genetics (formerly Invitae), Labcorp
Classification: Likely pathogenic for Arrhythmogenic cardiomyopathy with wooly hair and keratoderma; Arrhythmogenic right ventricular dysplasia 8. Last evaluated: 2025-12-29. Review status: criteria provided, single submitter. Criteria: Invitae Variant Classification Sherloc (09022015). Collection method: clinical testing. Allele origin: germline.
Comment: This sequence change affects a donor splice site in intron 10 of the DSP gene. It is expected to disrupt RNA splicing. Variants that disrupt the donor or acceptor splice site typically lead to a loss of protein function (PMID: 16199547), and loss-of-function variants in DSP are known to be pathogenic (PMID: 20716751, 24503780, 25227139, 30398466). This variant is not present in population databases (gnomAD no frequency). This variant has not been reported in the literature in individuals affected with DSP-related conditions. ClinVar contains an entry for this variant (Variation ID: 432143). Algorithms developed to predict the effect of sequence changes on RNA splicing suggest that this variant may disrupt the consensus splice site. In summary, the currently available evidence indicates that the variant is pathogenic, but additional data are needed to prove that conclusively. Therefore, this variant has been classified as Likely Pathogenic.

GeneDx
Classification: Likely pathogenic. Last evaluated: 2016-04-18. Review status: criteria provided, single submitter. Criteria: GeneDx Variant Classification (06012015). Collection method: clinical testing. Allele origin: germline. Affected: yes.
Comment: Although the c.1266+2 T>C variant has not been reported as a pathogenic variant or as a benign variant to our knowledge, it destroys the canonical splice donor site in intron 10 and is predicted to cause abnormal gene splicing. This variant is predicted to lead to either an abnormal message that is subject to nonsense-mediated mRNA decay, or to an abnormal protein product if the message is used for protein translation. Other splice site variants in the DSP gene have been reported in HGMD in association with cardiomyopathy (Stenson et al., 2014). Furthermore, the c.1266+2 T>C variant was not observed in approximately 6,500 individuals of European and African American ancestry in the NHLBI Exome Sequencing Project, indicating it is not a common benign variant in these populations.In summary, c.1266+2 T>C in the DSP gene is expected to be pathogenic

Literature cited by the submitters: PubMed 16199547 (cited by Labcorp Genetics (formerly Invitae), Labcorp); PubMed 20716751 (cited by Labcorp Genetics (formerly Invitae), Labcorp); PubMed 24503780 (cited by Labcorp Genetics (formerly Invitae), Labcorp); PubMed 25227139 (cited by Labcorp Genetics (formerly Invitae), Labcorp); PubMed 30398466 (cited by Labcorp Genetics (formerly Invitae), Labcorp).